The following is an entry in ClinVar:

ClinVar aggregate classification (germline): Uncertain significance. Review status: criteria provided, multiple submitters, no conflicts (2 of 4 stars). 2 submissions from 2 submitters: Uncertain significance (2). Last evaluated 2025-05-31.

Conditions:
Fanconi anemia (FA). Also called: Fanconi's anemia. Identifiers: Orphanet 84, MedGen C0015625, MeSH D005199, MONDO:0019391.
Inborn genetic diseases. Identifiers: MedGen C0950123, MeSH D030342.

gnomAD v4.1: 1 of 1,613,806 alleles (0.000062%); highest among the groups gnomAD compares: African/African-American, 0.0013%; no homozygotes.

Submissions (2):

Ambry Genetics
Classification: Uncertain significance for Inborn genetic diseases. Last evaluated: 2025-05-31. Review status: criteria provided, single submitter. Criteria: Ambry Variant Classification Scheme 2023. Collection method: clinical testing. Allele origin: germline.
Comment: The p.H960D variant (also known as c.2878C>G), located in coding exon 30 of the FANCA gene, results from a C to G substitution at nucleotide position 2878. The histidine at codon 960 is replaced by aspartic acid, an amino acid with similar properties. This amino acid position is conserved. In addition, this alteration is predicted to be tolerated by in silico analysis. Based on the available evidence, the clinical significance of this variant remains unclear.

Labcorp Genetics (formerly Invitae), Labcorp
Classification: Uncertain significance for Fanconi anemia. Last evaluated: 2022-07-11. Review status: criteria provided, single submitter. Criteria: Invitae Variant Classification Sherloc (09022015). Collection method: clinical testing. Allele origin: germline.
Comment: This sequence change replaces histidine, which is basic and polar, with aspartic acid, which is acidic and polar, at codon 960 of the FANCA protein (p.His960Asp). This variant is present in population databases (no rsID available, gnomAD 0.01%). This variant has not been reported in the literature in individuals affected with FANCA-related conditions. Advanced modeling of protein sequence and biophysical properties (such as structural, functional, and spatial information, amino acid conservation, physicochemical variation, residue mobility, and thermodynamic stability) performed at Invitae indicates that this missense variant is not expected to disrupt FANCA protein function. In summary, the available evidence is currently insufficient to determine the role of this variant in disease. Therefore, it has been classified as a Variant of Uncertain Significance.

NM_000135.4(FANCA):c.2878C>G (p.His960Asp)

Gene: FANCA (FA complementation group A; minus strand). Cytogenetic location: 16q24.3.
Variant type: single nucleotide variant.
Coding change: c.2878C>G on transcript NM_000135.4 (MANE Select); coding-DNA position 2878, C replaced by G.
Protein change: p.His960Asp; replaces histidine 960 with aspartic acid.
Molecular consequence: missense variant.
Genome position (GRCh38, 1-based): chr16:89,758,680, G>C on the plus strand (C>G on the coding strand, the complement: FANCA is on the minus strand). VCF-style: chr16-89758680-G-C. GRCh37 (hg19) VCF-style: chr16-89825088-G-C.
Other names: c.2878C>G, p.His960Asp (NM_001286167.3); short protein forms H960D.
Identifiers: ClinVar variation 2179654 (VCV002179654.2), dbSNP rs923046981, ClinGen allele CA286549215.